The following is an entry in ClinVar:

ClinVar aggregate classification (germline): Likely benign (1 of 4 stars; one submission).

Conditions:
Familial thoracic aortic aneurysm and aortic dissection (TAAD). Also called: Thoracic aortic aneurysms and dissections. Identifiers: Orphanet 91387, MedGen C4707243, MONDO:0019625.

Submission:

All of Us Research Program, National Institutes of Health
Classification: Likely benign for Familial thoracic aortic aneurysm and aortic dissection. Last evaluated: 2024-04-16. Review status: criteria provided, single submitter. Criteria: ACMG Guidelines, 2015. Collection method: clinical testing. Allele origin: germline. Inheritance: Autosomal dominant inheritance. Observed: 1 variant allele, 1 heterozygote.
Comment: This study involves interpretation of variants in research participants for the purpose of population health screening. Participant phenotype was not available at the time of variant classification. Additional details can be found in publication PMID: 35346344, PMCID: PMC8962531

NM_002474.3(MYH11):c.1602G>A (p.Leu534=)

Gene: MYH11 (myosin heavy chain 11; minus strand). Cytogenetic location: 16p13.11.
Variant type: single nucleotide variant.
Coding change: c.1602G>A on transcript NM_002474.3 (MANE Select); coding-DNA position 1602, G replaced by A.
Protein change: p.Leu534=; no amino-acid change (leucine 534 retained).
Molecular consequence: synonymous variant.
Genome position (GRCh38, 1-based): chr16:15,756,488, C>T on the plus strand (G>A on the coding strand, the complement: MYH11 is on the minus strand). VCF-style: chr16-15756488-C-T. GRCh37 (hg19) VCF-style: chr16-15850345-C-T.
Other names: c.1623G>A, p.Leu541= (NM_001040113.2, NM_001040114.2); c.1602G>A, p.Leu534= (NM_022844.3).
Identifiers: ClinVar variation 3387234 (VCV003387234.1).
Genomic context (GRCh38, chr16:15,756,488, plus strand): 5'-GCACAGCTTCTCCACGAAAGACTTGTCCGTGGCTTTGGGGAACCAGCATTCCTCGTCCAG[C>T]AGGGCCAGCACACCTGGAGGGTTGTTCTGTGGGAGACAAGTAGGGCTTGAATCAGAGAGA-3'
Protein context (NP_002465.1, residues 524-544): RPNNPPGVLA[Leu534=]LDEECWFPKA